The following is an entry in ClinVar:

NM_176822.4(NLRP14):c.257A>T (p.Asp86Val)

Gene: NLRP14 (NLR family pyrin domain containing 14; plus strand). Cytogenetic location: 11p15.4.
Variant type: single nucleotide variant.
Coding change: c.257A>T on transcript NM_176822.4 (MANE Select); coding-DNA position 257, A replaced by T.
Protein change: p.Asp86Val; replaces aspartic acid 86 with valine.
Molecular consequence: missense variant.
Genome position (GRCh38, 1-based): chr11:7,038,843, A>T. VCF-style: chr11-7038843-A-T. GRCh37 (hg19) VCF-style: chr11-7060074-A-T.
Other names: short protein forms D86V.
Identifiers: ClinVar variation 979152 (VCV000979152.1), dbSNP rs199735773, ClinGen allele CA5864505.
Genomic context (GRCh38, chr11:7,038,843, plus strand): 5'-ATCCAGGAGAGAAAGCCTGGAGTGTGTCTCTCAAAATCTTTGGCAAGATGAACCTGAAGG[A>T]TCTGTGTGAGAGAGCGAAAGAAGAGATCAACTGTGAGTGATGCTAGGGGCAAATCGGGGG-3'
Protein context (NP_789792.1, residues 76-96): LKIFGKMNLK[Asp86Val]LCERAKEEIN

ClinVar aggregate classification (germline): Benign (1 of 4 stars; one submission).

Conditions:
Spermatogenic Failure. Identifiers: MedGen C3553794, MONDO:0004983.

Allele frequency attached by ClinVar (database versions not stated): gnomAD 0.00001 and 0.00054; TOPMed 0.00007; gnomAD exomes 0.00084 and 0.00165; ExAC 0.00187; 1000 Genomes Project 30x 0.00344; 1000 Genomes Project 0.00359.
gnomAD v4.1: 1,302 of 1,613,524 alleles (0.081%); highest among the groups gnomAD compares: South Asian, 1.4%; 22 homozygotes.

Submission:

Broad Center for Mendelian Genomics, Broad Institute of MIT and Harvard
Classification: Benign for Spermatogenic failure. Review status: criteria provided, single submitter. Criteria: ACMG Guidelines, 2015. Collection method: research. Allele origin: germline. Inheritance: Autosomal recessive inheritance. Affected: yes.
Comment: The heterozygous p.Asp86Val variant in NLRP14 has been identified in an indivdual with azoospermia or severe oligozoospermia (PMID: 16931801), and has been identified in >1% of South Asian chromosomes and 5 homozygotes by ExAC. Furthermore, this is the first association of NALP14 with spermatogenic failure. In summary, this variant meets criteria to be classified as benign for spermatogenic failure.

Literature cited by the submitters: PubMed 16931801.